The following is an entry in ClinVar:

NM_001035.3(RYR2):c.957A>G (p.Lys319=)

Gene: RYR2 (ryanodine receptor 2; plus strand). Cytogenetic location: 1q43.
Variant type: single nucleotide variant.
Coding change: c.957A>G on transcript NM_001035.3 (MANE Select); coding-DNA position 957, A replaced by G.
Protein change: p.Lys319=; no amino-acid change (lysine 319 retained).
Molecular consequence: synonymous variant.
Genome position (GRCh38, 1-based): chr1:237,423,200, A>G. VCF-style: chr1-237423200-A-G. GRCh37 (hg19) VCF-style: chr1-237586500-A-G.
Other names: c.957A>G (NM_001035.2).
Identifiers: ClinVar variation 2147963 (VCV002147963.8), dbSNP rs756079517, ClinGen allele CA087918.

ClinVar aggregate classification (germline): Likely benign. Review status: criteria provided, multiple submitters, no conflicts (2 of 4 stars). 4 submissions from 4 submitters: Likely benign (4). Last evaluated 2026-01-20.

Conditions:
Catecholaminergic polymorphic ventricular tachycardia 1. Also called: VENTRICULAR TACHYCARDIA, STRESS-INDUCED POLYMORPHIC 1; RYR2-Related Catecholaminergic Polymorphic Ventricular Tachycardia; VENTRICULAR TACHYCARDIA, CATECHOLAMINERGIC POLYMORPHIC, 1, WITH OR WITHOUT ATRIAL DYSFUNCTION AND/OR DILATED CARDIOMYOPATHY. Identifiers: Orphanet 3286, MedGen C1631597, MONDO:0011484, OMIM 604772.
Cardiovascular phenotype. Identifiers: MedGen CN230736.
Catecholaminergic polymorphic ventricular tachycardia (CVPT). Also called: Catecholamine-induced polymorphic ventricular tachycardia. Identifiers: Orphanet 3286, MedGen C5574922, MONDO:0017990.
Cardiomyopathy (CMYO). Also called: Cardiomyopathies. Identifiers: Orphanet 167848, MedGen C0878544, MONDO:0004994, HP:0001638. Inheritance: Various modes of inheritance.

Allele frequency attached by ClinVar (database versions not stated): gnomAD exomes below 0.00001; ExAC 0.00001; TOPMed 0.00003.
gnomAD v4.1: 5 of 1,613,844 alleles (0.00031%); highest among the groups gnomAD compares: East Asian, 0.0045%; no homozygotes.

Submissions (4):

Labcorp Genetics (formerly Invitae), Labcorp
Classification: Likely benign for Catecholaminergic polymorphic ventricular tachycardia 1. Last evaluated: 2026-01-20. Review status: criteria provided, single submitter. Criteria: Invitae Variant Classification Sherloc (09022015). Collection method: clinical testing. Allele origin: germline.

Ambry Genetics
Classification: Likely benign for Cardiovascular phenotype. Last evaluated: 2024-08-15. Review status: criteria provided, single submitter. Criteria: Ambry Variant Classification Scheme 2023. Collection method: clinical testing. Allele origin: germline.

All of Us Research Program, National Institutes of Health
Classification: Likely benign for Catecholaminergic polymorphic ventricular tachycardia. Last evaluated: 2023-02-10. Review status: criteria provided, single submitter. Criteria: ACMG Guidelines, 2015. Collection method: clinical testing. Allele origin: germline. Inheritance: Autosomal dominant inheritance. Observed: 1 variant allele, 1 heterozygote.
Comment: This study involves interpretation of variants in research participants for the purpose of population health screening. Participant phenotype was not available at the time of variant classification. Additional details can be found in publication PMID: 35346344, PMCID: PMC8962531

Color Diagnostics, LLC DBA Color Health
Classification: Likely benign for Cardiomyopathy. Last evaluated: 2022-09-06. Review status: criteria provided, single submitter. Criteria: ACMG Guidelines, 2015. Collection method: clinical testing. Allele origin: germline.